The following is an entry in ClinVar:

NM_004360.5(CDH1):c.2383C>T (p.Pro795Ser)

Gene: CDH1 (cadherin 1; plus strand). Cytogenetic location: 16q22.1.
Variant type: single nucleotide variant.
Coding change: c.2383C>T on transcript NM_004360.5 (MANE Select); coding-DNA position 2383, C replaced by T.
Protein change: p.Pro795Ser; replaces proline 795 with serine.
Molecular consequence: missense variant.
Genome position (GRCh38, 1-based): chr16:68,829,741, C>T. VCF-style: chr16-68829741-C-T. GRCh37 (hg19) VCF-style: chr16-68863644-C-T.
Other names: c.2200C>T, p.Pro734Ser (NM_001317184.2); c.835C>T, p.Pro279Ser (NM_001317185.2); c.418C>T, p.Pro140Ser (NM_001317186.2); short protein forms P795S, P279S, P140S, P734S.
Identifiers: ClinVar variation 853300 (VCV000853300.10), dbSNP rs1298997936, ClinGen allele CA396471146.
Genomic context (GRCh38, chr16:68,829,741, plus strand): 5'-GGCCTGGACGCTCGGCCTGAAGTGACTCGTAACGACGTTGCACCAACCCTCATGAGTGTC[C>T]CCCGGTATCTTCCCCGCCCTGCCAATCCCGATGAAATTGGAAATTTTATTGATGAAGTAA-3'
Protein context (NP_004351.1, residues 785-805): NDVAPTLMSV[Pro795Ser]RYLPRPANPD

ClinVar aggregate classification (germline): Uncertain significance (1 of 4 stars; one submission).

Conditions:
Hereditary diffuse gastric adenocarcinoma (HDGC). Also called: DIFFUSE GASTRIC AND LOBULAR BREAST CANCER SYNDROME. Identifiers: Orphanet 26106, MedGen C1708349, MONDO:0007648, OMIM 137215.

Allele frequency attached by ClinVar (database versions not stated): gnomAD exomes 0.00001.
gnomAD v4.1: 4 of 1,613,984 alleles (0.00025%); highest among the groups gnomAD compares: South Asian, 0.0022%; no homozygotes.

Submission:

Labcorp Genetics (formerly Invitae), Labcorp
Classification: Uncertain significance for Hereditary diffuse gastric adenocarcinoma. Last evaluated: 2019-11-26. Review status: criteria provided, single submitter. Criteria: Invitae Variant Classification Sherloc (09022015). Collection method: clinical testing. Allele origin: germline.
Comment: In summary, the available evidence is currently insufficient to determine the role of this variant in disease. Therefore, it has been classified as a Variant of Uncertain Significance. Algorithms developed to predict the effect of missense changes on protein structure and function are either unavailable or do not agree on the potential impact of this missense change (SIFT: "Deleterious"; PolyPhen-2: "Probably Damaging"; Align-GVGD: "Class C0"). This variant has not been reported in the literature in individuals with CDH1-related conditions. This variant is not present in population databases (ExAC no frequency). This sequence change replaces proline with serine at codon 795 of the CDH1 protein (p.Pro795Ser). The proline residue is highly conserved and there is a moderate physicochemical difference between proline and serine.